The following is an entry in ClinVar:

ClinVar aggregate classification (germline): Uncertain significance (1 of 4 stars; one submission).

Conditions:
Aortic valve disease 3. Identifiers: MedGen C5193127, MONDO:0032783, OMIM 618496.

Allele frequency attached by ClinVar (database versions not stated): 1000 Genomes Project 30x 0.00016; 1000 Genomes Project 0.00020; TOPMed 0.00083; gnomAD 0.00084; ExAC 0.00098; gnomAD exomes 0.00143; ESP Exome Variant Server 0.00154.
gnomAD v4.1: 2,222 of 1,613,990 alleles (0.14%); highest among the groups gnomAD compares: Non-Finnish European, 0.18%; 2 homozygotes.

Submission:

Clinical Genomics Laboratory, Washington University in St. Louis
Classification: Uncertain significance for Aortic valve disease 3. Last evaluated: 2023-12-11. Review status: criteria provided, single submitter. Criteria: ACMG Guidelines, 2015. Collection method: clinical testing. Allele origin: germline.
Comment: The ROBO4 c.2092C>A (p.Leu698Met) variant, to our knowledge, has not been reported in the medical literature. The highest population minor allele frequency in the population database genome aggregation database (v.2.1.1) is 0.17% in the European non-Finnish population. Computational predictors suggest that the variant does not impact ROBO4 function. Due to limited information, and based on ACMG/AMP guidelines for variant interpretation (Richards S et al., PMID: 25741868), the clinical significance of this variant is uncertain at this time.

NM_019055.6(ROBO4):c.2092C>A (p.Leu698Met)

Gene: ROBO4 (roundabout guidance receptor 4; minus strand). Cytogenetic location: 11q24.2.
Variant type: single nucleotide variant.
Coding change: c.2092C>A on transcript NM_019055.6 (MANE Select); coding-DNA position 2092, C replaced by A.
Protein change: p.Leu698Met; replaces leucine 698 with methionine.
Molecular consequence: missense variant.
Genome position (GRCh38, 1-based): chr11:124,887,464, G>T on the plus strand (C>A on the coding strand, the complement: ROBO4 is on the minus strand). VCF-style: chr11-124887464-G-T. GRCh37 (hg19) VCF-style: chr11-124757360-G-T.
Other names: c.1657C>A, p.Leu553Met (NM_001301088.2); short protein forms L553M, L698M.
Identifiers: ClinVar variation 3236629 (VCV003236629.1), dbSNP rs149262190, ClinGen allele CA6344698.